The following is an entry in ClinVar:

ClinVar aggregate classification (germline): Pathogenic (1 of 4 stars; one submission).

Conditions:
Intrauterine growth retardation, metaphyseal dysplasia, adrenal hypoplasia congenita, genital anomalies, and immunodeficiency. Also called: IMAGEI SYNDROME. Identifiers: MedGen C5193036, MONDO:0032684, OMIM 618336.

Allele frequency attached by ClinVar (database versions not stated): gnomAD 0.00001; TOPMed 0.00001.
gnomAD v4.1: 1 of 1,612,964 alleles (0.000062%); highest among the groups gnomAD compares: Admixed American, 0.0017%; no homozygotes.

Submission:

Victorian Clinical Genetics Services, Murdoch Childrens Research Institute
Classification: Pathogenic for Intrauterine growth retardation, metaphyseal dysplasia, adrenal hypoplasia congenita, genital anomalies, and immunodeficiency. Last evaluated: 2021-05-06. Review status: criteria provided, single submitter. Criteria: ACMG Guidelines, 2015. Collection method: clinical testing. Allele origin: germline. Inheritance: Autosomal recessive inheritance. Affected: yes.
Comment: Based on the classification scheme VCGS_Germline_v1.3.4, this variant is classified as Pathogenic. Following criteria are met: 0102 - Loss of function is a known mechanism of disease in this gene and is associated with IMAGE-I syndrome (MIM#618336) and FILS syndrome (MIM#615139). (I) 0106 - This gene is associated with autosomal recessive disease. (I) 0201 - Variant is predicted to cause nonsense-mediated decay (NMD) and loss of protein (premature termination codon is located at least 54 nucleotides upstream of the final exon-exon junction). (SP) 0251 - This variant is heterozygous. (I) 0304 - Variant is present in gnomAD (v3) <0.01 for a recessive condition (1 heterozygote, 0 homozygotes). (SP) 0702 - Other NMD-predicted variants comparable to the one identified in this case have strong previous evidence for pathogenicity. These variants have been reported in several patients with IMAGe syndrome (PMID: 30503519). Many NMD-predicted variants have been reported as VUS, but this is in relation to cancer susceptibility (Decipher, ClinVar). (SP) 0807 - This variant has no previous evidence of pathogenicity. (I) 0905 - No published segregation evidence has been identified for this variant. (I) 1007 - No published functional evidence has been identified for this variant. (I) 1208 - Inheritance information for this variant is not currently available in this individual. (I) Legend: (SP) - Supporting pathogenic, (I) - Information, (SB) - Supporting benign

Literature cited by the submitters: PubMed 30503519.

NM_006231.4(POLE):c.6571C>T (p.Gln2191Ter)

Gene: POLE (DNA polymerase epsilon, catalytic subunit; minus strand). Cytogenetic location: 12q24.33.
Variant type: single nucleotide variant.
Coding change: c.6571C>T on transcript NM_006231.4 (MANE Select); coding-DNA position 6571, C replaced by T.
Protein change: p.Gln2191Ter; replaces glutamine 2191 with a stop codon.
Molecular consequence: nonsense.
Genome position (GRCh38, 1-based): chr12:132,625,731, G>A on the plus strand (C>T on the coding strand, the complement: POLE is on the minus strand). VCF-style: chr12-132625731-G-A. GRCh37 (hg19) VCF-style: chr12-133202317-G-A.
Other names: short protein forms Q2191*.
Identifiers: ClinVar variation 1804889 (VCV001804889.1), dbSNP rs2041825246, ClinGen allele CA387366784.